The following is an entry in ClinVar:

NM_181486.4(TBX5):c.1210A>C (p.Met404Leu)

Gene: TBX5 (T-box transcription factor 5; minus strand). Cytogenetic location: 12q24.21.
Variant type: single nucleotide variant.
Coding change: c.1210A>C on transcript NM_181486.4 (MANE Select); coding-DNA position 1210, A replaced by C.
Protein change: p.Met404Leu; replaces methionine 404 with leucine.
Molecular consequence: missense variant.
Genome position (GRCh38, 1-based): chr12:114,355,879, T>G on the plus strand (A>C on the coding strand, the complement: TBX5 is on the minus strand). VCF-style: chr12-114355879-T-G. GRCh37 (hg19) VCF-style: chr12-114793684-T-G.
Other names: c.1210A>C, p.Met404Leu (NM_000192.3); c.1060A>C, p.Met354Leu (NM_080717.4); short protein forms M354L, M404L.
Identifiers: ClinVar variation 3720013 (VCV003720013.2).

ClinVar aggregate classification (germline): Uncertain significance (1 of 4 stars; one submission).

Conditions:
Aortic valve disease 2 (AOVD2). Identifiers: MedGen C3542024, MONDO:0013902, OMIM 614823.

Submission:

Labcorp Genetics (formerly Invitae), Labcorp
Classification: Uncertain significance for Aortic valve disease 2. Last evaluated: 2024-04-09. Review status: criteria provided, single submitter. Criteria: Invitae Variant Classification Sherloc (09022015). Collection method: clinical testing. Allele origin: germline.
Comment: This sequence change replaces methionine, which is neutral and non-polar, with leucine, which is neutral and non-polar, at codon 404 of the TBX5 protein (p.Met404Leu). This variant is not present in population databases (gnomAD no frequency). This variant has not been reported in the literature in individuals affected with TBX5-related conditions. Advanced modeling of protein sequence and biophysical properties (such as structural, functional, and spatial information, amino acid conservation, physicochemical variation, residue mobility, and thermodynamic stability) performed at Invitae indicates that this missense variant is not expected to disrupt TBX5 protein function with a negative predictive value of 80%. In summary, the available evidence is currently insufficient to determine the role of this variant in disease. Therefore, it has been classified as a Variant of Uncertain Significance.